The following is an entry in ClinVar:

NM_004655.4(AXIN2):c.2082G>C (p.Leu694=)

Gene: AXIN2 (axin 2; minus strand). Cytogenetic location: 17q24.1.
Variant type: single nucleotide variant.
Coding change: c.2082G>C on transcript NM_004655.4 (MANE Select); coding-DNA position 2082, G replaced by C.
Protein change: p.Leu694=; no amino-acid change (leucine 694 retained).
Molecular consequence: synonymous variant.
Genome position (GRCh38, 1-based): chr17:65,536,379, C>G on the plus strand (G>C on the coding strand, the complement: AXIN2 is on the minus strand). VCF-style: chr17-65536379-C-G. GRCh37 (hg19) VCF-style: chr17-63532497-C-G.
Other names: c.1887G>C, p.Leu629= (NM_001363813.1).
Identifiers: ClinVar variation 1117120 (VCV001117120.13), dbSNP rs2043915421, ClinGen allele CA501690911.
Genomic context (GRCh38, chr17:65,536,379, plus strand): 5'-CCGCTGCTTTGGGGGCTTCGACACCTCAGCTAGCCTGCGACAGGCCTCCTCCAGCTGAGC[C>G]AGCGTGTTGGGTGGGGTCAGGGGAGGCATCGCAGGGTCCTGGGTGAACAGGTGGGCACGG-3'
Protein context (NP_004646.3, residues 684-704): AMPPLTPPNT[Leu694=]AQLEEACRRL

ClinVar aggregate classification (germline): Benign/Likely benign. Review status: criteria provided, multiple submitters, no conflicts (2 of 4 stars). 4 submissions from 4 submitters: Benign (1); Likely benign (2). 1 of the submissions does not count toward it. Last evaluated 2025-02-26.

Conditions:
Hereditary cancer-predisposing syndrome. Also called: Hereditary neoplastic syndrome; Hereditary Cancer Syndrome; Neoplastic Syndromes, Hereditary; Tumor predisposition. Identifiers: Orphanet 140162, MedGen C0027672, MeSH D009386, MONDO:0015356.
AXIN2-related disorder.
Oligodontia-cancer predisposition syndrome. Also called: TOOTH AGENESIS-COLORECTAL CANCER SYNDROME. Identifiers: Orphanet 300576, MedGen C1837750, MONDO:0012075, OMIM 608615. Disease mechanism: loss of function.

Submissions (4):

Labcorp Genetics (formerly Invitae), Labcorp
Classification: Likely benign for Oligodontia-cancer predisposition syndrome. Last evaluated: 2025-02-26. Review status: criteria provided, single submitter. Criteria: Invitae Variant Classification Sherloc (09022015). Collection method: clinical testing. Allele origin: germline.

Myriad Genetics, Inc.
Classification: Benign for Oligodontia-cancer predisposition syndrome. Last evaluated: 2024-07-09. Review status: criteria provided, single submitter. Criteria: Myriad Autosomal Dominant, Autosomal Recessive and X-Linked Classification Criteria (2023). Collection method: clinical testing. Allele origin: unknown.
Comment: This variant is considered benign. This variant is a silent/synonymous amino acid change and it is not expected to impact splicing.

Ambry Genetics
Classification: Likely benign for Hereditary cancer-predisposing syndrome. Last evaluated: 2020-05-28. Review status: criteria provided, single submitter. Criteria: Ambry Variant Classification Scheme 2023. Collection method: clinical testing. Allele origin: germline.

PreventionGenetics, part of Exact Sciences
Classification: Likely benign for AXIN2-related condition. Last evaluated: 2024-07-17. Review status: no assertion criteria provided. Collection method: clinical testing. Allele origin: germline. Not counted in ClinVar's aggregate classification.
Comment: This variant is classified as likely benign based on ACMG/AMP sequence variant interpretation guidelines (Richards et al. 2015 PMID: 25741868, with internal and published modifications).